The following is an entry in ClinVar:

ClinVar aggregate classification (germline): Likely benign (1 of 4 stars; one submission).

Conditions:
Predisposition to invasive fungal disease due to CARD9 deficiency (IMD103). Also called: CARD9 IMMUNODEFICIENCY; Candidiasis, familial, 2, autosomal recessive; IMMUNODEFICIENCY 103, SUSCEPTIBILITY TO FUNGAL INFECTIONS. Identifiers: Orphanet 457088, MedGen C1859353, MONDO:0008905, OMIM 212050.

Allele frequency attached by ClinVar (database versions not stated): gnomAD exomes 0.00006; gnomAD 0.00019; TOPMed 0.00051; 1000 Genomes Project 0.00180; 1000 Genomes Project 30x 0.00265.
gnomAD v4.1: 94 of 985,892 alleles (0.0095%); highest among the groups gnomAD compares: East Asian, 0.58%; 1 homozygote.

Submission:

Illumina Laboratory Services, Illumina
Classification: Likely benign for Predisposition to invasive fungal disease due to CARD9 deficiency. Last evaluated: 2018-01-13. Review status: criteria provided, single submitter. Criteria: ICSL Variant Classification Criteria 13 December 2019. Collection method: clinical testing. Allele origin: germline.
Comment: This variant was observed in the ICSL laboratory as part of a predisposition screen in an ostensibly healthy population. It had not been previously curated by ICSL or reported in the Human Gene Mutation Database (HGMD: prior to June 1st, 2018), and was therefore a candidate for classification through an automated scoring system. Utilizing variant allele frequency, disease prevalence and penetrance estimates, and inheritance mode, an automated score was calculated to assess if this variant is too frequent to cause the disease. Based on the score and internal cut-off values, a variant classified as likely benign is not then subjected to further curation. The score for this variant resulted in a classification of likely benign for this disease.

NM_052813.5(CARD9):c.-82C>G

Genes: CARD9 (caspase recruitment domain family member 9; minus strand), LOC113839540 (Sharpr-MPRA regulatory region 3996; plus strand). Cytogenetic location: 9q34.3.
Variant type: single nucleotide variant.
Coding change: c.-82C>G on transcript NM_052813.5 (MANE Select); 82 bases upstream of the start codon, C replaced by G.
Molecular consequence: 5 prime UTR variant.
Genome position (GRCh38, 1-based): chr9:136,373,597, G>C on the plus strand (C>G on the coding strand, the complement: CARD9 is on the minus strand). VCF-style: chr9-136373597-G-C. GRCh37 (hg19) VCF-style: chr9-139268049-G-C.
Other names: c.-82C>G (NM_052814.4).
Identifiers: ClinVar variation 365862 (VCV000365862.5), dbSNP rs78291627, ClinGen allele CA10629583.